The following is an entry in ClinVar:

ClinVar aggregate classification (germline): Uncertain significance. Review status: criteria provided, multiple submitters, no conflicts (2 of 4 stars). 3 submissions from 3 submitters: Uncertain significance (3). Last evaluated 2024-09-08.

Conditions:
Cardiovascular phenotype. Identifiers: MedGen CN230736.

Submissions (3):

GeneDx
Classification: Uncertain significance. Last evaluated: 2024-09-08. Review status: criteria provided, single submitter. Criteria: GeneDx Variant Classification Process June 2021. Collection method: clinical testing. Allele origin: germline. Affected: yes.
Comment: Not observed at significant frequency in large population cohorts (gnomAD); In silico analysis supports that this missense variant has a deleterious effect on protein structure/function; Has not been previously published as pathogenic or benign to our knowledge

Ambry Genetics
Classification: Uncertain significance for Cardiovascular phenotype. Last evaluated: 2024-05-05. Review status: criteria provided, single submitter. Criteria: Ambry Variant Classification Scheme 2023. Collection method: clinical testing. Allele origin: germline.
Comment: The p.G632E variant (also known as c.1895G>A), located in coding exon 12 of the EPHB4 gene, results from a G to A substitution at nucleotide position 1895. The glycine at codon 632 is replaced by glutamic acid, an amino acid with similar properties. This amino acid position is conserved. In addition, this alteration is predicted to be deleterious by in silico analysis. Based on the available evidence, the clinical significance of this variant remains unclear.

Blueprint Genetics
Classification: Uncertain significance. Last evaluated: 2022-11-11. Review status: criteria provided, single submitter. Criteria: ACMG Guidelines, 2015. Collection method: clinical testing. Allele origin: germline.

NM_004444.5(EPHB4):c.1895G>A (p.Gly632Glu)

Gene: EPHB4 (EPH receptor B4; minus strand). Cytogenetic location: 7q22.1.
Variant type: single nucleotide variant.
Coding change: c.1895G>A on transcript NM_004444.5 (MANE Select); coding-DNA position 1895, G replaced by A.
Protein change: p.Gly632Glu; replaces glycine 632 with glutamic acid.
Molecular consequence: missense variant.
Genome position (GRCh38, 1-based): chr7:100,812,970, C>T on the plus strand (G>A on the coding strand, the complement: EPHB4 is on the minus strand). VCF-style: chr7-100812970-C-T. GRCh37 (hg19) VCF-style: chr7-100410592-C-T.
Other names: short protein forms G632E.
Identifiers: ClinVar variation 3275982 (VCV003275982.3).